The following is an entry in ClinVar:

NM_001363118.2(SLC52A2):c.1232C>A (p.Ala411Asp)

Gene: SLC52A2 (solute carrier family 52 member 2; plus strand). Cytogenetic location: 8q24.3.
Variant type: single nucleotide variant.
Coding change: c.1232C>A on transcript NM_001363118.2 (MANE Select); coding-DNA position 1232, C replaced by A.
Protein change: p.Ala411Asp; replaces alanine 411 with aspartic acid.
Molecular consequence: missense variant. On other transcripts: non-coding transcript variant (1).
Genome position (GRCh38, 1-based): chr8:144,360,909, C>A. VCF-style: chr8-144360909-C-A. GRCh37 (hg19) VCF-style: chr8-145584569-C-A.
Other names: c.1232C>A, p.Ala411Asp (NM_001253815.2, NM_001253816.2, NM_001363120.2 and 2 more transcripts); c.740C>A, p.Ala247Asp (NM_001363122.2); c.968C>A, p.Ala323Asp (NM_001410949.1); short protein forms A411D, A247D, A323D.
Identifiers: ClinVar variation 2014172 (VCV002014172.4), dbSNP rs1818846775, ClinGen allele CA372630124.

ClinVar aggregate classification (germline): Uncertain significance (1 of 4 stars; one submission).

Conditions:
Brown-Vialetto-van Laere syndrome 2. Also called: SPINOCEREBELLAR ATAXIA WITH BLINDNESS AND DEAFNESS 2; Riboflavin transporter deficiency type 2. Identifiers: Orphanet 572543, Orphanet 97229, MedGen C3553538, MONDO:0013867, OMIM 614707.

Submission:

Labcorp Genetics (formerly Invitae), Labcorp
Classification: Uncertain significance for Brown-Vialetto-van Laere syndrome 2. Last evaluated: 2022-09-03. Review status: criteria provided, single submitter. Criteria: Invitae Variant Classification Sherloc (09022015). Collection method: clinical testing. Allele origin: germline.
Comment: This sequence change replaces alanine, which is neutral and non-polar, with aspartic acid, which is acidic and polar, at codon 411 of the SLC52A2 protein (p.Ala411Asp). This variant is not present in population databases (gnomAD no frequency). This variant has not been reported in the literature in individuals affected with SLC52A2-related conditions. Advanced modeling of protein sequence and biophysical properties (such as structural, functional, and spatial information, amino acid conservation, physicochemical variation, residue mobility, and thermodynamic stability) performed at Invitae indicates that this missense variant is expected to disrupt SLC52A2 protein function. In summary, the available evidence is currently insufficient to determine the role of this variant in disease. Therefore, it has been classified as a Variant of Uncertain Significance.